The following is an entry in ClinVar:

ClinVar aggregate classification (germline): Uncertain significance (1 of 4 stars; one submission).

Conditions:
Inborn genetic diseases. Identifiers: MedGen C0950123, MeSH D030342.

gnomAD v4.1: 1 of 1,614,234 alleles (0.000062%); no homozygotes.

Submission:

Ambry Genetics
Classification: Uncertain significance for Inborn genetic diseases. Last evaluated: 2025-01-18. Review status: criteria provided, single submitter. Criteria: Ambry Variant Classification Scheme 2023. Collection method: clinical testing. Allele origin: germline.
Comment: The p.Q47R variant (also known as c.140A>G), located in coding exon 2 of the BUB1B gene, results from an A to G substitution at nucleotide position 140. The glutamine at codon 47 is replaced by arginine, an amino acid with highly similar properties. This amino acid position is conserved. In addition, this alteration is predicted to be tolerated by in silico analysis. Based on the available evidence, the clinical significance of this variant remains unclear.

NM_001211.6(BUB1B):c.140A>G (p.Gln47Arg)

Gene: BUB1B (BUB1 mitotic checkpoint serine/threonine kinase B; plus strand). Cytogenetic location: 15q15.1.
Variant type: single nucleotide variant.
Coding change: c.140A>G on transcript NM_001211.6 (MANE Select); coding-DNA position 140, A replaced by G.
Protein change: p.Gln47Arg; replaces glutamine 47 with arginine.
Molecular consequence: missense variant.
Genome position (GRCh38, 1-based): chr15:40,165,157, A>G. VCF-style: chr15-40165157-A-G. GRCh37 (hg19) VCF-style: chr15-40457358-A-G.
Other names: short protein forms Q47R.
Identifiers: ClinVar variation 3135598 (VCV003135598.2), dbSNP rs2037080856, ClinGen allele CA391677208.
Genomic context (GRCh38, chr15:40,165,157, plus strand): 5'-AAAATGTACAACCTTTAAGGCAAGGGCGGATCATGTCCACGCTTCAGGGAGCACTGGCAC[A>G]AGAATCTGCCTGTAACAATACTCTTCAGCAGCAGAAACGGTGTGTAGAATGGCTGAGTCT-3'
Protein context (NP_001202.5, residues 37-57): IMSTLQGALA[Gln47Arg]ESACNNTLQQ